The following is an entry in ClinVar:

NM_001349253.2(SCN11A):c.4679T>C (p.Met1560Thr)

Gene: SCN11A (sodium voltage-gated channel alpha subunit 11; minus strand). Cytogenetic location: 3p22.2.
Variant type: single nucleotide variant.
Coding change: c.4679T>C on transcript NM_001349253.2 (MANE Select); coding-DNA position 4679, T replaced by C.
Protein change: p.Met1560Thr; replaces methionine 1560 with threonine.
Molecular consequence: missense variant.
Genome position (GRCh38, 1-based): chr3:38,847,391, A>G on the plus strand (T>C on the coding strand, the complement: SCN11A is on the minus strand). VCF-style: chr3-38847391-A-G. GRCh37 (hg19) VCF-style: chr3-38888882-A-G.
Other names: c.4679T>C, p.Met1560Thr (NM_014139.3); short protein forms M1560T.
Identifiers: ClinVar variation 4160572 (VCV004160572.2).

ClinVar aggregate classification (germline): Uncertain significance. Review status: criteria provided, multiple submitters, no conflicts (2 of 4 stars). 2 submissions from 2 submitters: Uncertain significance (2). Last evaluated 2025-10-07.

Conditions:
Familial episodic pain syndrome with predominantly lower limb involvement. Also called: Episodic pain syndrome, familial, 3. Identifiers: Orphanet 391384, Orphanet 391392, MedGen C3809899, MONDO:0014247, OMIM 615552.
Hereditary sensory and autonomic neuropathy type 7. Also called: HSAN VII; Neuropathy, hereditary sensory and autonomic, type VII. Identifiers: Orphanet 391397, MedGen C3809882, MONDO:0014244, OMIM 615548.
Inborn genetic diseases. Identifiers: MedGen C0950123, MeSH D030342.

Submissions (2):

Labcorp Genetics (formerly Invitae), Labcorp
Classification: Uncertain significance for Familial episodic pain syndrome with predominantly lower limb involvement; Hereditary sensory and autonomic neuropathy type 7. Last evaluated: 2025-10-07. Review status: criteria provided, single submitter. Criteria: Invitae Variant Classification Sherloc (09022015). Collection method: clinical testing. Allele origin: germline.
Comment: This sequence change replaces methionine, which is neutral and non-polar, with threonine, which is neutral and polar, at codon 1560 of the SCN11A protein (p.Met1560Thr). This variant is present in population databases (no rsID available, gnomAD 0.006%). This variant has not been reported in the literature in individuals affected with SCN11A-related conditions. Invitae Evidence Modeling of protein sequence and biophysical properties (such as structural, functional, and spatial information, amino acid conservation, physicochemical variation, residue mobility, and thermodynamic stability) indicates that this missense variant is not expected to disrupt SCN11A protein function with a negative predictive value of 80%. In summary, the available evidence is currently insufficient to determine the role of this variant in disease. Therefore, it has been classified as a Variant of Uncertain Significance.

Ambry Genetics
Classification: Uncertain significance for Inborn genetic diseases. Last evaluated: 2025-07-15. Review status: criteria provided, single submitter. Criteria: Ambry Variant Classification Scheme 2023. Collection method: clinical testing. Allele origin: germline.